The following is an entry in ClinVar:

ClinVar aggregate classification (germline): Uncertain significance (1 of 4 stars; one submission).

Allele frequency attached by ClinVar (database versions not stated): gnomAD 0.00001; gnomAD exomes 0.00001 and 0.00002; TOPMed 0.00002.

Submission:

Labcorp Genetics (formerly Invitae), Labcorp
Classification: Uncertain significance. Last evaluated: 2022-03-17. Review status: criteria provided, single submitter. Criteria: Invitae Variant Classification Sherloc (09022015). Collection method: clinical testing. Allele origin: germline.
Comment: This sequence change replaces lysine, which is basic and polar, with glutamic acid, which is acidic and polar, at codon 257 of the SCLT1 protein (p.Lys257Glu). This variant is present in population databases (no rsID available, gnomAD 0.0009%). This variant has not been reported in the literature in individuals affected with SCLT1-related conditions. Algorithms developed to predict the effect of missense changes on protein structure and function output the following: SIFT: "Tolerated"; PolyPhen-2: "Benign"; Align-GVGD: "Class C0". The glutamic acid amino acid residue is found in multiple mammalian species, which suggests that this missense change does not adversely affect protein function. In summary, the available evidence is currently insufficient to determine the role of this variant in disease. Therefore, it has been classified as a Variant of Uncertain Significance.

NM_144643.4(SCLT1):c.769A>G (p.Lys257Glu)

Gene: SCLT1 (sodium channel and clathrin linker 1; minus strand). Cytogenetic location: 4q28.2.
Variant type: single nucleotide variant.
Coding change: c.769A>G on transcript NM_144643.4 (MANE Select); coding-DNA position 769, A replaced by G.
Protein change: p.Lys257Glu; replaces lysine 257 with glutamic acid.
Molecular consequence: missense variant.
Genome position (GRCh38, 1-based): chr4:128,970,386, T>C on the plus strand (A>G on the coding strand, the complement: SCLT1 is on the minus strand). VCF-style: chr4-128970386-T-C. GRCh37 (hg19) VCF-style: chr4-129891541-T-C.
Other names: short protein forms K257E.
Identifiers: ClinVar variation 1416017 (VCV001416017.5), dbSNP rs1259096285, ClinGen allele CA358189224.